The following is an entry in ClinVar:

ClinVar aggregate classification (germline): Uncertain significance. Review status: criteria provided, multiple submitters, no conflicts (2 of 4 stars). 3 submissions from 3 submitters: Uncertain significance (2). 1 of the submissions does not count toward it. Last evaluated 2022-02-03.

Conditions:
Cortical dysplasia-focal epilepsy syndrome (PTHSL1). Also called: Pitt-Hopkins-like syndrome 1. Identifiers: Orphanet 163681, Orphanet 221150, MedGen C2750246, MONDO:0012400, OMIM 610042.
CNTNAP2-related disorder. Also called: CNTNAP2-related condition.

Allele frequency attached by ClinVar (database versions not stated): gnomAD exomes below 0.00001; TOPMed below 0.00001; ExAC 0.00001.
gnomAD v4.1: 4 of 1,613,974 alleles (0.00025%); highest among the groups gnomAD compares: Non-Finnish European, 0.00034%; no homozygotes.

Submissions (3):

Labcorp Genetics (formerly Invitae), Labcorp
Classification: Uncertain significance for Cortical dysplasia-focal epilepsy syndrome. Last evaluated: 2022-02-03. Review status: criteria provided, single submitter. Criteria: Invitae Variant Classification Sherloc (09022015). Collection method: clinical testing. Allele origin: germline.
Comment: This sequence change replaces proline, which is neutral and non-polar, with threonine, which is neutral and polar, at codon 621 of the CNTNAP2 protein (p.Pro621Thr). This variant is present in population databases (rs779028422, gnomAD 0.0009%). This variant has not been reported in the literature in individuals affected with CNTNAP2-related conditions. ClinVar contains an entry for this variant (Variation ID: 205313). Algorithms developed to predict the effect of missense changes on protein structure and function are either unavailable or do not agree on the potential impact of this missense change (SIFT: "Deleterious"; PolyPhen-2: "Benign"; Align-GVGD: "Class C0"). In summary, the available evidence is currently insufficient to determine the role of this variant in disease. Therefore, it has been classified as a Variant of Uncertain Significance.

GeneDx
Classification: Uncertain significance. Last evaluated: 2015-11-10. Review status: criteria provided, single submitter. Criteria: GeneDx Variant Classification (06012015). Collection method: clinical testing. Allele origin: germline. Affected: yes.
Comment: p.Pro621Thr (CCT>ACT): c.1861 C>A in exon 12 of the CNTNAP2 gene (NM_014141.5). The P621T variant has not been published as a mutation, nor has it been reported as a benign polymorphism to our knowledge. It was not observed in approximately 6,500 individuals of European and African American ancestry in the NHLBI Exome Sequencing Project, indicating it is not a common benign variant in these populations. The P621T variant is a non-conservative amino acid substitution, which is likely to impact secondary protein structure as these residues differ in polarity, charge, size and/or other properties. In silico analysis predicts this variant is probably damaging to the protein structure/function. However, this substitution occurs at a position that is not conserved across species, and Threonine is observed at this position in other species. Therefore, based on the currently available information, it is unclear whether this variant is a pathogenic mutation or a rare benign variant. The variant is found in EPILEPSY panel(s).

PreventionGenetics, part of Exact Sciences
Classification: Uncertain significance for CNTNAP2-related condition. Last evaluated: 2024-09-07. Review status: no assertion criteria provided. Collection method: clinical testing. Allele origin: germline. Not counted in ClinVar's aggregate classification.
Comment: The CNTNAP2 c.1861C>A variant is predicted to result in the amino acid substitution p.Pro621Thr. To our knowledge, this variant has not been reported in the literature. This variant is reported in 0.00088% of alleles in individuals of European (Non-Finnish) descent in gnomAD. At this time, the clinical significance of this variant is uncertain due to the absence of conclusive functional and genetic evidence.

NM_014141.6(CNTNAP2):c.1861C>A (p.Pro621Thr)

Gene: CNTNAP2 (contactin associated protein 2; plus strand). Cytogenetic location: 7q35.
Variant type: single nucleotide variant.
Coding change: c.1861C>A on transcript NM_014141.6 (MANE Select); coding-DNA position 1861, C replaced by A.
Protein change: p.Pro621Thr; replaces proline 621 with threonine.
Molecular consequence: missense variant.
Genome position (GRCh38, 1-based): chr7:147,562,221, C>A. VCF-style: chr7-147562221-C-A. GRCh37 (hg19) VCF-style: chr7-147259313-C-A.
Other names: p.P621T:CCT>ACT; short protein forms P621T.
Identifiers: ClinVar variation 205313 (VCV000205313.7), dbSNP rs779028422, ClinGen allele CA314259.